The following is an entry in ClinVar:

NM_012431.3(SEMA3E):c.906T>C (p.Ile302=)

Gene: SEMA3E (semaphorin 3E; minus strand). Cytogenetic location: 7q21.11.
Variant type: single nucleotide variant.
Coding change: c.906T>C on transcript NM_012431.3 (MANE Select); coding-DNA position 906, T replaced by C.
Protein change: p.Ile302=; no amino-acid change (isoleucine 302 retained).
Molecular consequence: synonymous variant.
Genome position (GRCh38, 1-based): chr7:83,405,967, A>G on the plus strand (T>C on the coding strand, the complement: SEMA3E is on the minus strand). VCF-style: chr7-83405967-A-G. GRCh37 (hg19) VCF-style: chr7-83035283-A-G.
Other names: c.726T>C, p.Ile242= (NM_001178129.2).
Identifiers: ClinVar variation 3356174 (VCV003356174.3).

ClinVar aggregate classification (germline): Likely benign. Review status: criteria provided, single submitter (1 of 4 stars). 2 submissions from 2 submitters: Likely benign (1). 1 of the submissions does not count toward it. Last evaluated 2024-05-28.

Conditions:
SEMA3E-related disorder. Also called: SEMA3E-related condition.
CHARGE syndrome (CHARGE). Also called: Hittner Hirsch Kreh syndrome; CHARGE ASSOCIATION--COLOBOMA, HEART ANOMALY, CHOANAL ATRESIA, RETARDATION, GENITAL AND EAR ANOMALIES; Coloboma, heart anomaly, choanal atresia, retardation, genital and ear anomalies; CHARGE association; Hall-Hittner syndrome. Identifiers: Orphanet 138, MedGen C0265354, MONDO:0008965.

Submissions (2):

Labcorp Genetics (formerly Invitae), Labcorp
Classification: Likely benign for CHARGE syndrome. Last evaluated: 2024-05-28. Review status: criteria provided, single submitter. Criteria: Invitae Variant Classification Sherloc (09022015). Collection method: clinical testing. Allele origin: germline.

PreventionGenetics, part of Exact Sciences
Classification: Likely benign for SEMA3E-related condition. Last evaluated: 2023-01-23. Review status: no assertion criteria provided. Collection method: clinical testing. Allele origin: germline. Not counted in ClinVar's aggregate classification.
Comment: This variant is classified as likely benign based on ACMG/AMP sequence variant interpretation guidelines (Richards et al. 2015 PMID: 25741868, with internal and published modifications).